The following is an entry in ClinVar:

NM_004006.3(DMD):c.4191dup (p.Ala1398fs)

Gene: DMD (dystrophin; minus strand). Cytogenetic location: Xp21.1.
Variant type: Duplication.
Coding change: c.4191dup on transcript NM_004006.3 (MANE Select); coding-DNA position 4191, one base duplicated (T; older notation c.4191dupT).
Protein change: p.Ala1398fs; shifts the reading frame from alanine 1398.
Molecular consequence: frameshift variant.
Genome position (GRCh38, 1-based): chrX:32,411,794, A duplicated on the plus strand (T on the coding strand, the reverse complement: DMD is on the minus strand); the first of 2 consecutive A bases (chrX:32,411,794-32,411,795); duplicating either gives the same sequence. VCF-style (leftmost placement, unchanged base first): chrX-32411793-C-CA. GRCh37 (hg19) VCF-style: chrX-32429910-C-CA.
Other names: c.4167dup, p.Ala1390fs (NM_000109.4); c.4179dup, p.Ala1394fs (NM_004009.3); c.3822dup, p.Ala1275fs (NM_004010.3); c.168dup, p.Ala57fs (NM_004011.4); c.159dup, p.Ala54fs (NM_004012.4); short protein forms A1275fs, A1398fs, A54fs, A57fs, A1390fs, A1394fs.
Identifiers: ClinVar variation 2766692 (VCV002766692.3), dbSNP rs2523599050, ClinGen allele CA2697552960.

ClinVar aggregate classification (germline): Pathogenic (1 of 4 stars; one submission).

Conditions:
Duchenne muscular dystrophy (DMD). Also called: MUSCULAR DYSTROPHY, PSEUDOHYPERTROPHIC PROGRESSIVE, DUCHENNE TYPE; Duchenne Muscular Dystrophy (DMD). Identifiers: Orphanet 98896, MedGen C0013264, MONDO:0010679, OMIM 310200.

Submission:

Labcorp Genetics (formerly Invitae), Labcorp
Classification: Pathogenic for Duchenne muscular dystrophy. Last evaluated: 2023-10-07. Review status: criteria provided, single submitter. Criteria: Invitae Variant Classification Sherloc (09022015). Collection method: clinical testing. Allele origin: germline.
Comment: This sequence change creates a premature translational stop signal (p.Ala1398Cysfs*19) in the DMD gene. It is expected to result in an absent or disrupted protein product. Loss-of-function variants in DMD are known to be pathogenic (PMID: 16770791, 25007885). This variant is not present in population databases (gnomAD no frequency). This variant has not been reported in the literature in individuals affected with DMD-related conditions. For these reasons, this variant has been classified as Pathogenic.

Literature cited by the submitters: PubMed 16770791; PubMed 25007885.